The following is an entry in ClinVar:

ClinVar aggregate classification (germline): Uncertain significance. Review status: criteria provided, multiple submitters, no conflicts (2 of 4 stars). 2 submissions from 2 submitters: Uncertain significance (2). Last evaluated 2025-07-30.

Conditions:
Inborn genetic diseases. Identifiers: MedGen C0950123, MeSH D030342.

gnomAD v4.1: 9 of 1,613,876 alleles (0.00056%); highest among the groups gnomAD compares: Middle Eastern, 0.016%; no homozygotes.

Submissions (2):

Labcorp Genetics (formerly Invitae), Labcorp
Classification: Uncertain significance. Last evaluated: 2025-07-30. Review status: criteria provided, single submitter. Criteria: Invitae Variant Classification Sherloc (09022015). Collection method: clinical testing. Allele origin: germline.
Comment: This sequence change replaces glutamic acid, which is acidic and polar, with lysine, which is basic and polar, at codon 376 of the ACTN4 protein (p.Glu376Lys). This variant is not present in population databases (gnomAD no frequency). This variant has not been reported in the literature in individuals affected with ACTN4-related conditions. ClinVar contains an entry for this variant (Variation ID: 3826616). Invitae Evidence Modeling of protein sequence and biophysical properties (such as structural, functional, and spatial information, amino acid conservation, physicochemical variation, residue mobility, and thermodynamic stability) indicates that this missense variant is not expected to disrupt ACTN4 protein function with a negative predictive value of 80%. In summary, the available evidence is currently insufficient to determine the role of this variant in disease. Therefore, it has been classified as a Variant of Uncertain Significance.

Ambry Genetics
Classification: Uncertain significance for Inborn genetic diseases. Last evaluated: 2025-01-21. Review status: criteria provided, single submitter. Criteria: Ambry Variant Classification Scheme 2023. Collection method: clinical testing. Allele origin: germline.

NM_004924.6(ACTN4):c.1126G>A (p.Glu376Lys)

Gene: ACTN4 (actinin alpha 4; plus strand). Cytogenetic location: 19q13.2.
Variant type: single nucleotide variant.
Coding change: c.1126G>A on transcript NM_004924.6 (MANE Select); coding-DNA position 1126, G replaced by A.
Protein change: p.Glu376Lys; replaces glutamic acid 376 with lysine.
Molecular consequence: missense variant.
Genome position (GRCh38, 1-based): chr19:38,717,299, G>A. VCF-style: chr19-38717299-G-A. GRCh37 (hg19) VCF-style: chr19-39207939-G-A.
Other names: c.1126G>A, p.Glu376Lys (NM_001322033.2, NM_001411143.1); short protein forms E376K.
Identifiers: ClinVar variation 3826616 (VCV003826616.2).